The following is an entry in ClinVar:

ClinVar aggregate classification (germline): Uncertain significance (1 of 4 stars; one submission).

Conditions:
Hereditary cancer-predisposing syndrome. Also called: Neoplastic Syndromes, Hereditary; Tumor predisposition; Hereditary neoplastic syndrome; Hereditary Cancer Syndrome. Identifiers: Orphanet 140162, MedGen C0027672, MeSH D009386, MONDO:0015356.

Submission:

Ambry Genetics
Classification: Uncertain significance for Hereditary cancer-predisposing syndrome. Last evaluated: 2023-12-05. Review status: criteria provided, single submitter. Criteria: Ambry Variant Classification Scheme 2023. Collection method: clinical testing. Allele origin: germline.
Comment: The p.S840I variant (also known as c.2519G>T), located in coding exon 15 of the APC gene, results from a G to T substitution at nucleotide position 2519. The serine at codon 840 is replaced by isoleucine, an amino acid with dissimilar properties. This amino acid position is conserved. In addition, in silico predictors for this gene do not accurately predict pathogenicity. Since supporting evidence is limited at this time, the clinical significance of this alteration remains unclear.

NM_000038.6(APC):c.2519G>T (p.Ser840Ile)

Gene: APC (APC regulator of Wnt signaling pathway; plus strand). Cytogenetic location: 5q22.2.
Variant type: single nucleotide variant.
Coding change: c.2519G>T on transcript NM_000038.6 (MANE Select); coding-DNA position 2519, G replaced by T.
Protein change: p.Ser840Ile; replaces serine 840 with isoleucine.
Molecular consequence: missense variant. On other transcripts: non-coding transcript variant (2).
Genome position (GRCh38, 1-based): chr5:112,838,113, G>T. VCF-style: chr5-112838113-G-T. GRCh37 (hg19) VCF-style: chr5-112173810-G-T.
Other names: c.2519G>T, p.Ser840Ile (NM_001127510.3, NM_001354895.2, NM_001407450.1); c.2465G>T, p.Ser822Ile (NM_001127511.3); c.2573G>T, p.Ser858Ile (NM_001354896.2, NM_001407447.1, NM_001407448.1 and 1 more transcripts); c.2549G>T, p.Ser850Ile (NM_001354897.2); c.2444G>T, p.Ser815Ile (NM_001354898.2); c.2435G>T, p.Ser812Ile (NM_001354899.2); c.2396G>T, p.Ser799Ile (NM_001354900.2); c.2342G>T, p.Ser781Ile (NM_001354901.2, NM_001407453.1); and 11 more; short protein forms S456I, S557I, S680I, S711I, S714I, S739I, S749I, S757I.
Identifiers: ClinVar variation 3224965 (VCV003224965.1), dbSNP rs1580623420, ClinGen allele CA16026850.